The following is an entry in ClinVar:

ClinVar aggregate classification (germline): Uncertain significance (1 of 4 stars; one submission).

Allele frequency attached by ClinVar (database versions not stated): 1000 Genomes Project 30x 0.00016.
gnomAD v4.1: 79 of 1,588,224 alleles (0.005%); highest among the groups gnomAD compares: South Asian, 0.085%; 3 homozygotes.

Submission:

Labcorp Genetics (formerly Invitae), Labcorp
Classification: Uncertain significance. Last evaluated: 2022-09-06. Review status: criteria provided, single submitter. Criteria: Invitae Variant Classification Sherloc (09022015). Collection method: clinical testing. Allele origin: germline.
Comment: Algorithms developed to predict the effect of missense changes on protein structure and function are either unavailable or do not agree on the potential impact of this missense change (SIFT: "Deleterious"; PolyPhen-2: "Benign"; Align-GVGD: "Class C0"). This variant has not been reported in the literature in individuals affected with KLC2-related conditions. This variant is present in population databases (rs767861682, gnomAD 0.1%), and has an allele count higher than expected for a pathogenic variant. This sequence change replaces arginine, which is basic and polar, with glycine, which is neutral and non-polar, at codon 506 of the KLC2 protein (p.Arg506Gly). In summary, the available evidence is currently insufficient to determine the role of this variant in disease. Therefore, it has been classified as a Variant of Uncertain Significance.

NM_001318734.2(KLC2):c.1516C>G (p.Arg506Gly)

Gene: KLC2 (kinesin light chain 2; plus strand). Cytogenetic location: 11q13.2.
Variant type: single nucleotide variant.
Coding change: c.1516C>G on transcript NM_001318734.2 (MANE Select); coding-DNA position 1516, C replaced by G.
Protein change: p.Arg506Gly; replaces arginine 506 with glycine.
Molecular consequence: missense variant.
Genome position (GRCh38, 1-based): chr11:66,265,926, C>G. VCF-style: chr11-66265926-C-G. GRCh37 (hg19) VCF-style: chr11-66033397-C-G.
Other names: c.1285C>G, p.Arg429Gly (NM_001134774.2); c.1516C>G, p.Arg506Gly (NM_001134775.2, NM_001134776.2, NM_022822.3); short protein forms R429G, R506G.
Identifiers: ClinVar variation 1988206 (VCV001988206.4), dbSNP rs767861682, ClinGen allele CA6117474.